The following is an entry in ClinVar:

ClinVar aggregate classification (germline): Uncertain significance (1 of 4 stars; one submission).

Conditions:
Perlman syndrome (PRLMNS). Identifiers: Orphanet 2849, MedGen C0796113, MONDO:0009965, OMIM 267000.

Submission:

Labcorp Genetics (formerly Invitae), Labcorp
Classification: Uncertain significance for Perlman syndrome. Last evaluated: 2023-06-13. Review status: criteria provided, single submitter. Criteria: Invitae Variant Classification Sherloc (09022015). Collection method: clinical testing. Allele origin: germline.
Comment: In summary, the available evidence is currently insufficient to determine the role of this variant in disease. Therefore, it has been classified as a Variant of Uncertain Significance. Advanced modeling of protein sequence and biophysical properties (such as structural, functional, and spatial information, amino acid conservation, physicochemical variation, residue mobility, and thermodynamic stability) performed at Invitae indicates that this missense variant is not expected to disrupt DIS3L2 protein function. This variant has not been reported in the literature in individuals affected with DIS3L2-related conditions. This variant is not present in population databases (gnomAD no frequency). This sequence change replaces lysine, which is basic and polar, with glutamine, which is neutral and polar, at codon 747 of the DIS3L2 protein (p.Lys747Gln).

NM_152383.5(DIS3L2):c.2239A>C (p.Lys747Gln)

Gene: DIS3L2 (DIS3 like 3'-5' exoribonuclease 2; plus strand). Cytogenetic location: 2q37.1.
Variant type: single nucleotide variant.
Coding change: c.2239A>C on transcript NM_152383.5 (MANE Select); coding-DNA position 2239, A replaced by C.
Protein change: p.Lys747Gln; replaces lysine 747 with glutamine.
Molecular consequence: missense variant. On other transcripts: non-coding transcript variant (2), intron variant (1).
Genome position (GRCh38, 1-based): chr2:232,334,449, A>C. VCF-style: chr2-232334449-A-C. GRCh37 (hg19) VCF-style: chr2-233199159-A-C.
Other names: c.1582-8896A>C (NM_001257281.2); short protein forms K747Q.
Identifiers: ClinVar variation 2820717 (VCV002820717.3), dbSNP rs2469448668, ClinGen allele CA350977774.